The following is an entry in ClinVar:

NM_080552.3(SLC32A1):c.1065G>T (p.Ala355=)

Gene: SLC32A1 (solute carrier family 32 member 1; plus strand). Cytogenetic location: 20q11.23.
Variant type: single nucleotide variant.
Coding change: c.1065G>T on transcript NM_080552.3 (MANE Select); coding-DNA position 1065, G replaced by T.
Protein change: p.Ala355=; no amino-acid change (alanine 355 retained).
Molecular consequence: synonymous variant.
Genome position (GRCh38, 1-based): chr20:38,728,126, G>T. VCF-style: chr20-38728126-G-T. GRCh37 (hg19) VCF-style: chr20-37356769-G-T.
Identifiers: ClinVar variation 4874687 (VCV004874687.2).

ClinVar aggregate classification (germline): Likely benign (1 of 4 stars; one submission).

gnomAD v4.1: 5 of 1,614,108 alleles (0.00031%); highest among the groups gnomAD compares: African/African-American, 0.0013%; no homozygotes.

Submission:

CeGaT Center for Human Genetics Tuebingen
Classification: Likely benign. Last evaluated: 2026-04-01. Review status: criteria provided, single submitter. Criteria: CeGaT Center For Human Genetics Tuebingen Variant Classification Criteria Version 2. Collection method: clinical testing. Allele origin: germline. Affected: yes. Observed: 1 variant allele.
Comment: SLC32A1: BP4, BP7